The following is an entry in ClinVar:

NM_003002.4(SDHD):c.312C>T (p.His104=)

Gene: SDHD (succinate dehydrogenase complex subunit D; plus strand). Cytogenetic location: 11q23.1.
Variant type: single nucleotide variant.
Coding change: c.312C>T on transcript NM_003002.4 (MANE Select); coding-DNA position 312, C replaced by T.
Protein change: p.His104=; no amino-acid change (histidine 104 retained).
Molecular consequence: synonymous variant. On other transcripts: non-coding transcript variant (1), intron variant (1).
Genome position (GRCh38, 1-based): chr11:112,089,009, C>T. VCF-style: chr11-112089009-C-T. GRCh37 (hg19) VCF-style: chr11-111959733-C-T.
Other names: c.195C>T, p.His65= (NM_001276504.2); c.312C>T, p.His104= (NM_001276506.2); c.169+1036C>T (NM_001276503.2).
Identifiers: ClinVar variation 212145 (VCV000212145.43), dbSNP rs61734352, ClinGen allele CA071059.

ClinVar aggregate classification (germline): Benign/Likely benign. Review status: criteria provided, multiple submitters, no conflicts (2 of 4 stars). 16 submissions from 15 submitters: Benign (14); Likely benign (2). Last evaluated 2026-02-02.

Conditions:
Mitochondrial complex 2 deficiency, nuclear type 3. Also called: MITOCHONDRIAL COMPLEX II DEFICIENCY, NUCLEAR TYPE 3. Identifiers: MedGen C5436934, MONDO:0030937, OMIM 619167.
Pheochromocytoma/paraganglioma syndrome 1. Also called: Paragangliomas 1; Glomus tumors familial 1; Paraganglioma - glomus jugulare; PARAGANGLIOMATA; SDHD-Related Hereditary Paraganglioma-Pheochromocytoma Syndrome; PARAGANGLIOMAS, FAMILIAL NONCHROMAFFIN, 1. Identifiers: Orphanet 29072, MedGen C3494181, MONDO:0008192, OMIM 168000.
Carney-Stratakis syndrome. Also called: PARAGANGLIOMA AND GASTROINTESTINAL STROMAL TUMOR. Identifiers: Orphanet 97286, MedGen C1847319, MONDO:0011740, OMIM 606864.
Cowden syndrome 3 (CWS3). Identifiers: Orphanet 201, MedGen CN166604, MONDO:0014045.
Pheochromocytoma. Also called: MAX-Related Hereditary Paraganglioma-Pheochromocytoma Syndrome. Identifiers: Orphanet 29072, MedGen C0031511, MONDO:0008233, OMIM 171300, HP:0002666.
Paragangliomas with sensorineural hearing loss. Identifiers: MedGen C1868633.
Hereditary cancer-predisposing syndrome. Also called: Neoplastic Syndromes, Hereditary; Hereditary Cancer Syndrome; Tumor predisposition; Hereditary neoplastic syndrome. Identifiers: Orphanet 140162, MedGen C0027672, MeSH D009386, MONDO:0015356.
Hereditary pheochromocytoma and paraganglioma. Also called: Hereditary Paraganglioma-Pheochromocytoma Syndromes; Hereditary paragangliomas and pheochromocytomas; Hereditary pheochromocytoma-paraganglioma. Identifiers: Orphanet 29072, MedGen C4274332, MONDO:0017366.
Pheochromocytoma/paraganglioma syndrome 3. Also called: GLOMUS TUMORS, FAMILIAL, 3; SDHC-Related Hereditary Paraganglioma-Pheochromocytoma Syndrome (Paragangliomas 3); SDHC-Related Hereditary Paraganglioma-Pheochromocytoma Syndrome; Paragangliomas 3. Identifiers: Orphanet 29072, MedGen C1854336, MONDO:0011544, OMIM 605373.

Allele frequency attached by ClinVar (database versions not stated): gnomAD exomes 0.00060 and 0.00178; ExAC 0.00214; gnomAD 0.00642 and 0.00690; ESP Exome Variant Server 0.00662; 1000 Genomes Project 0.00699; TOPMed 0.00756; 1000 Genomes Project 30x 0.00765.
gnomAD v4.1: 1,911 of 1,614,152 alleles (0.12%); highest among the groups gnomAD compares: African/African-American, 2.2%; 12 homozygotes.

Submissions (22):

Labcorp Genetics (formerly Invitae), Labcorp
Classification: Benign for Carney-Stratakis syndrome; Paragangliomas with sensorineural hearing loss; Pheochromocytoma; Cowden syndrome 3. Last evaluated: 2026-02-02. Review status: criteria provided, single submitter. Criteria: Invitae Variant Classification Sherloc (09022015). Collection method: clinical testing. Allele origin: germline.

Myriad Genetics, Inc.
Classification: Benign for Pheochromocytoma/paraganglioma syndrome 1. Last evaluated: 2025-03-17. Review status: criteria provided, single submitter. Criteria: Myriad Autosomal Dominant, Autosomal Recessive and X-Linked Classification Criteria (2023). Collection method: clinical testing. Allele origin: unknown.
Comment: This variant is considered benign. This variant is a silent/synonymous amino acid change and it is not expected to impact splicing.

Center for Genomic Medicine, Rigshospitalet, Copenhagen University Hospital
Classification: Benign. Last evaluated: 2025-03-04. Review status: criteria provided, single submitter. Criteria: ACMG Guidelines, 2015. Collection method: clinical testing. Allele origin: germline.
Comment: Classification criteria: BA1

KCCC/NGS Laboratory, Kuwait Cancer Control Center
Classification: Benign for Pheochromocytoma/paraganglioma syndrome 1. Last evaluated: 2025-02-01. Review status: criteria provided, single submitter. Criteria: ACMG Guidelines, 2015. Collection method: clinical testing. Allele origin: germline. Affected: no.

Blueprint Genetics
Classification: Benign. Last evaluated: 2024-11-25. Review status: criteria provided, single submitter. Criteria: ACMG Guidelines, 2015. Collection method: clinical testing. Allele origin: germline.

KCCC/NGS Laboratory, Kuwait Cancer Control Center
Classification: Benign for Pheochromocytoma/paraganglioma syndrome 3. Last evaluated: 2023-07-07. Review status: criteria provided, single submitter. Criteria: ACMG Guidelines, 2015. Collection method: clinical testing. Allele origin: germline. Affected: yes.

Color Diagnostics, LLC DBA Color Health
Classification: Benign for Hereditary pheochromocytoma and paraganglioma. Last evaluated: 2022-10-20. Review status: criteria provided, single submitter. Criteria: ACMG Guidelines, 2015. Collection method: clinical testing. Allele origin: germline.

Fulgent Genetics
Classification: Likely benign for Pheochromocytoma/paraganglioma syndrome 1; Pheochromocytoma; Carney-Stratakis syndrome; Mitochondrial complex 2 deficiency, nuclear type 3. Last evaluated: 2022-05-24. Review status: criteria provided, single submitter. Criteria: ACMG Guidelines, 2015. Collection method: clinical testing. Allele origin: unknown.

Department of Pathology and Laboratory Medicine, Sinai Health System
Classification: Benign for Pheochromocytoma/paraganglioma syndrome 1; Carney-Stratakis syndrome; Mitochondrial complex 2 deficiency, nuclear type 3. Last evaluated: 2021-11-16. Review status: criteria provided, single submitter. Criteria: ACMG Guidelines, 2015. Collection method: clinical testing. Allele origin: germline. Affected: yes.

Quest Diagnostics Nichols Institute San Juan Capistrano
Classification: Benign. Last evaluated: 2020-09-09. Review status: criteria provided, single submitter. Criteria: Quest Diagnostics criteria. Collection method: clinical testing. Allele origin: unknown.

ARUP Laboratories, Molecular Genetics and Genomics, ARUP Laboratories
Classification: Benign. Last evaluated: 2018-07-12. Review status: criteria provided, single submitter. Criteria: ARUP Molecular Germline Variant Investigation Process. Collection method: clinical testing. Allele origin: germline.

GeneDx
Classification: Benign. Last evaluated: 2017-12-06. Review status: criteria provided, single submitter. Criteria: GeneDx Variant Classification (06012015). Collection method: clinical testing. Allele origin: germline. Affected: yes.
Comment: This variant is considered likely benign or benign based on one or more of the following criteria: it is a conservative change, it occurs at a poorly conserved position in the protein, it is predicted to be benign by multiple in silico algorithms, and/or has population frequency not consistent with disease.

Genetic Services Laboratory, University of Chicago
Classification: Benign. Last evaluated: 2017-11-08. Review status: criteria provided, single submitter. Criteria: ACMG Guidelines, 2015. Collection method: clinical testing. Allele origin: germline. Affected: no.

Women's Health and Genetics/Laboratory Corporation of America, LabCorp
Classification: Benign. Last evaluated: 2016-05-25. Review status: criteria provided, single submitter. Criteria: LabCorp Variant Classification Summary - May 2015. Collection method: clinical testing. Allele origin: germline.
Comment: Variant summary: The SDHD c.312C>T (p.His104His) variant involves the alteration of a conserved nucleotide, resulting in a synonymous change. 5/5 splice prediction tools predict no significant impact on normal splicing. This variant was found in 260/121396 control chromosomes (including 3 homozygotes), predominantly observed in the African subpopulation at a frequency of 0.0238599 (248/10394). This frequency greatly exceeds the estimated maximal expected allele frequency of a pathogenic SDHD variant (0.0000016), suggesting this is likely a benign polymorphism found primarily in the populations of African origin. In addition, multiple clinical diagnostic laboratories have classified this variant as benign. The variant of interest has not, to our knowledge, been reported in affected individuals via publications nor evaluated for functional impact by in vivo/vitro studies. Taken together, this variant is classified as benign.

Ambry Genetics
Classification: Benign for Hereditary cancer-predisposing syndrome. Last evaluated: 2015-10-09. Review status: criteria provided, single submitter. Criteria: Ambry Variant Classification Scheme 2023. Collection method: clinical testing. Allele origin: germline.

Breakthrough Genomics
Classification: Likely benign. Review status: criteria provided, single submitter. Criteria: ACMG Guidelines, 2015. Collection method: not provided. Allele origin: germline. Inheritance: Autosomal recessive inheritance. Affected: yes.

Dr. Peter K. Rogan Lab, Western University
No classification provided (evidence only). Condition: Clear cell carcinoma of kidney. Review status: no classification provided. Collection method: in vitro. Allele origin: not applicable. Functional consequence: skipped exon, retained intron. Not counted in ClinVar's aggregate classification.

Dr. Peter K. Rogan Lab, Western University
No classification provided (evidence only). Condition: Colorectal cancer. Review status: no classification provided. Collection method: in vitro. Allele origin: not applicable. Functional consequence: skipped exon. Not counted in ClinVar's aggregate classification.

Dr. Peter K. Rogan Lab, Western University
No classification provided (evidence only). Condition: Uterine corpus endometrial carcinoma. Review status: no classification provided. Collection method: in vitro. Allele origin: not applicable. Functional consequence: skipped exon. Not counted in ClinVar's aggregate classification.

Dr. Peter K. Rogan Lab, Western University
No classification provided (evidence only). Condition: Cervical cancer. Review status: no classification provided. Collection method: in vitro. Allele origin: not applicable. Functional consequence: skipped exon. Not counted in ClinVar's aggregate classification.

Dr. Peter K. Rogan Lab, Western University
No classification provided (evidence only). Condition: Adrenocortical carcinoma, hereditary. Review status: no classification provided. Collection method: in vitro. Allele origin: not applicable. Functional consequence: skipped exon. Not counted in ClinVar's aggregate classification.

Dr. Peter K. Rogan Lab, Western University
No classification provided (evidence only). Condition: Malignant tumor of esophagus. Review status: no classification provided. Collection method: in vitro. Allele origin: not applicable. Functional consequence: skipped exon, retained intron. Not counted in ClinVar's aggregate classification.

Literature cited by the submitters: PubMed 23666964 (cited by Quest Diagnostics Nichols Institute San Juan Capistrano); PubMed 22517554 (cited by Quest Diagnostics Nichols Institute San Juan Capistrano).